The following is an entry in ClinVar:

NM_006230.4(POLD2):c.1235C>T (p.Ser412Phe)

Gene: POLD2 (DNA polymerase delta 2, accessory subunit; minus strand). Cytogenetic location: 7p13.
Variant type: single nucleotide variant.
Coding change: c.1235C>T on transcript NM_006230.4 (MANE Select); coding-DNA position 1235, C replaced by T.
Protein change: p.Ser412Phe; replaces serine 412 with phenylalanine.
Molecular consequence: missense variant.
Genome position (GRCh38, 1-based): chr7:44,115,309, G>A on the plus strand (C>T on the coding strand, the complement: POLD2 is on the minus strand). VCF-style: chr7-44115309-G-A. GRCh37 (hg19) VCF-style: chr7-44154908-G-A.
Other names: c.1235C>T, p.Ser412Phe (NM_001127218.3, NM_001256879.2); short protein forms S412F.
Identifiers: ClinVar variation 2861890 (VCV002861890.3), dbSNP rs2128810156, ClinGen allele CA367379140.

ClinVar aggregate classification (germline): Uncertain significance (1 of 4 stars; one submission).

Submission:

Labcorp Genetics (formerly Invitae), Labcorp
Classification: Uncertain significance. Last evaluated: 2023-05-03. Review status: criteria provided, single submitter. Criteria: Invitae Variant Classification Sherloc (09022015). Collection method: clinical testing. Allele origin: germline.
Comment: This sequence change replaces serine, which is neutral and polar, with phenylalanine, which is neutral and non-polar, at codon 447 of the POLD2 protein (p.Ser447Phe). This variant is not present in population databases (gnomAD no frequency). In summary, the available evidence is currently insufficient to determine the role of this variant in disease. Therefore, it has been classified as a Variant of Uncertain Significance. Experimental studies and prediction algorithms are not available or were not evaluated, and the functional significance of this variant is currently unknown. This variant has not been reported in the literature in individuals affected with POLD2-related conditions.